The following is an entry in ClinVar:

NM_001042492.3(NF1):c.4467T>C (p.Ser1489=)

Gene: NF1 (neurofibromin 1; plus strand). Cytogenetic location: 17q11.2.
Variant type: single nucleotide variant.
Coding change: c.4467T>C on transcript NM_001042492.3 (MANE Select); coding-DNA position 4467, T replaced by C.
Protein change: p.Ser1489=; no amino-acid change (serine 1489 retained).
Molecular consequence: synonymous variant.
Genome position (GRCh38, 1-based): chr17:31,260,405, T>C. VCF-style: chr17-31260405-T-C. GRCh37 (hg19) VCF-style: chr17-29587423-T-C.
Other names: c.4404T>C, p.Ser1468= (NM_000267.4).
Identifiers: ClinVar variation 1632403 (VCV001632403.9), dbSNP rs2151464603, ClinGen allele CA499233651.

ClinVar aggregate classification (germline): Benign/Likely benign. Review status: criteria provided, multiple submitters, no conflicts (2 of 4 stars). 2 submissions from 2 submitters: Benign (1); Likely benign (1). Last evaluated 2026-05-19.

Conditions:
Neurofibromatosis, type 1 (NF1). Also called: VON RECKLINGHAUSEN DISEASE; NEUROFIBROMATOSIS, TYPE I, SOMATIC; Neurofibromatosis, type I; Peripheral type neurofibromatosis. Identifiers: Orphanet 636, MedGen C0027831, MONDO:0018975, OMIM 162200. Disease mechanism: loss of function.

Submissions (2):

Myriad Genetics, Inc.
Classification: Benign for Neurofibromatosis, type 1. Last evaluated: 2026-05-19. Review status: criteria provided, single submitter. Criteria: Myriad Autosomal Dominant, Autosomal Recessive and X-Linked Classification Criteria (2023). Collection method: clinical testing. Allele origin: unknown.
Comment: This variant is considered benign. This variant is a silent/synonymous amino acid change and it is not expected to impact splicing.

Labcorp Genetics (formerly Invitae), Labcorp
Classification: Likely benign for Neurofibromatosis, type 1. Last evaluated: 2021-05-28. Review status: criteria provided, single submitter. Criteria: Invitae Variant Classification Sherloc (09022015). Collection method: clinical testing. Allele origin: germline.